The following is an entry in ClinVar:

NM_001330195.2(NRXN3):c.2358A>G (p.Lys786=)

Gene: NRXN3 (neurexin 3; plus strand). Cytogenetic location: 14q31.1.
Variant type: single nucleotide variant.
Coding change: c.2358A>G on transcript NM_001330195.2 (MANE Select); coding-DNA position 2358, A replaced by G.
Protein change: p.Lys786=; no amino-acid change (lysine 786 retained).
Molecular consequence: synonymous variant. On other transcripts: non-coding transcript variant (4).
Genome position (GRCh38, 1-based): chr14:78,957,324, A>G. VCF-style: chr14-78957324-A-G. GRCh37 (hg19) VCF-style: chr14-79423667-A-G.
Other names: c.2358A>G, p.Lys786= (NM_001366425.1); c.2370A>G, p.Lys790= (NM_001366426.1); c.1239A>G, p.Lys413= (NM_004796.6).
Identifiers: ClinVar variation 3049418 (VCV003049418.2), dbSNP rs1567817019, ClinGen allele CA487388351.

ClinVar aggregate classification (germline): Likely benign (0 of 4 stars; one submission).

Conditions:
NRXN3-related disorder. Also called: NRXN3-related condition.

Allele frequency attached by ClinVar (database versions not stated): gnomAD exomes below 0.00001.
gnomAD v4.1: 1 of 1,614,102 alleles (0.000062%); highest among the groups gnomAD compares: South Asian, 0.0011%; no homozygotes.

Submission:

PreventionGenetics, part of Exact Sciences
Classification: Likely benign for NRXN3-related condition. Last evaluated: 2019-07-23. Review status: no assertion criteria provided. Collection method: clinical testing. Allele origin: germline.
Comment: This variant is classified as likely benign based on ACMG/AMP sequence variant interpretation guidelines (Richards et al. 2015 PMID: 25741868, with internal and published modifications).